The following is an entry in ClinVar:

NM_001278116.2(L1CAM):c.2016G>A (p.Gln672=)

Gene: L1CAM (L1 cell adhesion molecule; minus strand). Cytogenetic location: Xq28.
Variant type: single nucleotide variant.
Coding change: c.2016G>A on transcript NM_001278116.2 (MANE Select); coding-DNA position 2016, G replaced by A.
Protein change: p.Gln672=; no amino-acid change (glutamine 672 retained).
Molecular consequence: synonymous variant.
Genome position (GRCh38, 1-based): chrX:153,867,477, C>T on the plus strand (G>A on the coding strand, the complement: L1CAM is on the minus strand). VCF-style: chrX-153867477-C-T. GRCh37 (hg19) VCF-style: chrX-153132932-C-T.
Other names: c.2016G>A (NM_000425.4); c.2016G>A, p.Gln672= (NM_000425.5, NM_024003.3); c.2001G>A, p.Gln667= (NM_001143963.2).
Identifiers: ClinVar variation 2916213 (VCV002916213.5), dbSNP rs1351121756, ClinGen allele CA519205102.

ClinVar aggregate classification (germline): Likely benign. Review status: criteria provided, single submitter (1 of 4 stars). 2 submissions from 2 submitters: Likely benign (1). 1 of the submissions does not count toward it. Last evaluated 2023-01-17.

Conditions:
L1CAM-related disorder. Also called: L1CAM-related condition.
Spastic paraplegia. Identifiers: MedGen C0037772, HP:0001258.

Allele frequency attached by ClinVar (database versions not stated): gnomAD exomes below 0.00001; TOPMed below 0.00001; gnomAD 0.00001.
gnomAD v4.1: 2 of 1,208,434 alleles (0.00017%); highest among the groups gnomAD compares: South Asian, 0.0018%; no homozygotes.

Submissions (2):

Labcorp Genetics (formerly Invitae), Labcorp
Classification: Likely benign for Spastic paraplegia. Last evaluated: 2023-01-17. Review status: criteria provided, single submitter. Criteria: Invitae Variant Classification Sherloc (09022015). Collection method: clinical testing. Allele origin: germline.

PreventionGenetics, part of Exact Sciences
Classification: Likely benign for L1CAM-related condition. Last evaluated: 2020-12-23. Review status: no assertion criteria provided. Collection method: clinical testing. Allele origin: germline. Not counted in ClinVar's aggregate classification.
Comment: This variant is classified as likely benign based on ACMG/AMP sequence variant interpretation guidelines (Richards et al. 2015 PMID: 25741868, with internal and published modifications).